The following is an entry in ClinVar:

NM_022437.3(ABCG8):c.1719C>T (p.Ala573=)

Gene: ABCG8 (ATP binding cassette subfamily G member 8; plus strand). Cytogenetic location: 2p21.
Variant type: single nucleotide variant.
Coding change: c.1719C>T on transcript NM_022437.3 (MANE Select); coding-DNA position 1719, C replaced by T.
Protein change: p.Ala573=; no amino-acid change (alanine 573 retained).
Molecular consequence: synonymous variant.
Genome position (GRCh38, 1-based): chr2:43,875,376, C>T. VCF-style: chr2-43875376-C-T. GRCh37 (hg19) VCF-style: chr2-44102515-C-T.
Other names: c.1716C>T, p.Ala572= (NM_001357321.2).
Identifiers: ClinVar variation 1778684 (VCV001778684.5), dbSNP rs201563094, ClinGen allele CA1637604.

ClinVar aggregate classification (germline): Likely benign. Review status: criteria provided, multiple submitters, no conflicts (2 of 4 stars). 4 submissions from 4 submitters: Likely benign (4). Last evaluated 2026-02-01.

Conditions:
Cardiovascular phenotype. Identifiers: MedGen CN230736.
ABCG8-related disorder. Also called: ABCG8-related condition.

Allele frequency attached by ClinVar (database versions not stated): ExAC 0.00002; 1000 Genomes Project 30x 0.00016; 1000 Genomes Project 0.00020.
gnomAD v4.1: 17 of 1,614,100 alleles (0.0011%); highest among the groups gnomAD compares: East Asian, 0.016%; no homozygotes.

Submissions (4):

Labcorp Genetics (formerly Invitae), Labcorp
Classification: Likely benign. Last evaluated: 2026-02-01. Review status: criteria provided, single submitter. Criteria: Invitae Variant Classification Sherloc (09022015). Collection method: clinical testing. Allele origin: germline.

PreventionGenetics, part of Exact Sciences
Classification: Likely benign for ABCG8-related condition. Last evaluated: 2025-03-20. Review status: criteria provided, single submitter. Criteria: ACMG Guidelines, 2015. Collection method: clinical testing. Allele origin: germline.
Comment: This variant is classified as likely benign based on ACMG/AMP sequence variant interpretation guidelines (Richards et al. 2015 PMID: 25741868, with internal and published modifications).

Blueprint Genetics
Classification: Likely benign. Last evaluated: 2022-07-26. Review status: criteria provided, single submitter. Criteria: ACMG Guidelines, 2015. Collection method: clinical testing. Allele origin: germline.

Ambry Genetics
Classification: Likely benign for Cardiovascular phenotype. Last evaluated: 2020-12-13. Review status: criteria provided, single submitter. Criteria: Ambry Variant Classification Scheme 2023. Collection method: clinical testing. Allele origin: germline.